The following is an entry in ClinVar:

ClinVar aggregate classification (germline): Uncertain significance (1 of 4 stars; one submission).

Conditions:
LRRC45-related disorder. Also called: LRRC45-related condition.

Submission:

PreventionGenetics, part of Exact Sciences
Classification: Uncertain significance for LRRC45-related condition. Last evaluated: 2025-03-19. Review status: criteria provided, single submitter. Criteria: ACMG Guidelines, 2015. Collection method: clinical testing. Allele origin: germline.
Comment: The LRRC45 c.202T>G variant is predicted to result in the amino acid substitution p.Cys68Gly. To our knowledge, this variant has not been reported in the literature or in a large population database (gnomAD), indicating this variant is rare. At this time, the clinical significance of this variant is uncertain due to the absence of conclusive functional and genetic evidence.

NM_144999.4(LRRC45):c.202T>G (p.Cys68Gly)

Gene: LRRC45 (leucine rich repeat containing 45; plus strand). Cytogenetic location: 17q25.3.
Variant type: single nucleotide variant.
Coding change: c.202T>G on transcript NM_144999.4 (MANE Select); coding-DNA position 202, T replaced by G.
Protein change: p.Cys68Gly; replaces cysteine 68 with glycine.
Molecular consequence: missense variant.
Genome position (GRCh38, 1-based): chr17:82,023,845, T>G. VCF-style: chr17-82023845-T-G. GRCh37 (hg19) VCF-style: chr17-79981721-T-G.
Other names: short protein forms C68G.
Identifiers: ClinVar variation 4997829 (VCV004997829.1).